The following is an entry in ClinVar:

NM_001042492.3(NF1):c.6315C>T (p.His2105=)

Gene: NF1 (neurofibromin 1; plus strand). Cytogenetic location: 17q11.2.
Variant type: single nucleotide variant.
Coding change: c.6315C>T on transcript NM_001042492.3 (MANE Select); coding-DNA position 6315, C replaced by T.
Protein change: p.His2105=; no amino-acid change (histidine 2105 retained).
Molecular consequence: synonymous variant.
Genome position (GRCh38, 1-based): chr17:31,336,802, C>T. VCF-style: chr17-31336802-C-T. GRCh37 (hg19) VCF-style: chr17-29663820-C-T.
Other names: c.6252C>T, p.His2084= (NM_000267.4).
Identifiers: ClinVar variation 186916 (VCV000186916.42), dbSNP rs145732909, ClinGen allele CA196232.

ClinVar aggregate classification (germline): Benign/Likely benign. Review status: criteria provided, multiple submitters, no conflicts (2 of 4 stars). 9 submissions from 9 submitters: Benign (1); Likely benign (8). Last evaluated 2026-05-21.

Conditions:
Hereditary cancer-predisposing syndrome. Also called: Tumor predisposition; Neoplastic Syndromes, Hereditary; Hereditary Cancer Syndrome; Hereditary neoplastic syndrome. Identifiers: Orphanet 140162, MedGen C0027672, MeSH D009386, MONDO:0015356.
Neurofibromatosis, type 1 (NF1). Also called: Peripheral type neurofibromatosis; Neurofibromatosis, type I; NEUROFIBROMATOSIS, TYPE I, SOMATIC; VON RECKLINGHAUSEN DISEASE. Identifiers: Orphanet 636, MedGen C0027831, MONDO:0018975, OMIM 162200. Disease mechanism: loss of function.
Café-au-lait macules with pulmonary stenosis (WTSN). Also called: PULMONIC STENOSIS WITH CAFE-AU-LAIT SPOTS. Identifiers: MedGen C0553586, MONDO:0008672, OMIM 193520.
Neurofibromatosis-Noonan syndrome (NFNS). Also called: NEUROFIBROMATOSIS WITH NOONAN PHENOTYPE. Identifiers: Orphanet 638, MedGen C2931482, MONDO:0011035, OMIM 601321. Disease mechanism: loss of function.
Neurofibromatosis, familial spinal (FSNF). Identifiers: Orphanet 636, MedGen C1834235, MONDO:0008078, OMIM 162210. Disease mechanism: loss of function.
Juvenile myelomonocytic leukemia (JMML). Also called: LEUKEMIA, JUVENILE MYELOMONOCYTIC, SOMATIC. Identifiers: Orphanet 86834, MedGen C0349639, MONDO:0011908, OMIM 607785, HP:0012209.

Allele frequency attached by ClinVar (database versions not stated): gnomAD exomes 0.00004 and 0.00005; gnomAD 0.00005 and 0.00006; TOPMed 0.00005; ExAC 0.00007; ESP Exome Variant Server 0.00008.
gnomAD v4.1: 63 of 1,614,068 alleles (0.0039%); highest among the groups gnomAD compares: South Asian, 0.015%; no homozygotes.

Submissions (9):

Myriad Genetics, Inc.
Classification: Benign for Neurofibromatosis, type 1. Last evaluated: 2026-05-21. Review status: criteria provided, single submitter. Criteria: Myriad Autosomal Dominant, Autosomal Recessive and X-Linked Classification Criteria (2023). Collection method: clinical testing. Allele origin: unknown.
Comment: This variant is considered benign. This variant is a silent/synonymous amino acid change and it is not expected to impact splicing.

Labcorp Genetics (formerly Invitae), Labcorp
Classification: Likely benign for Neurofibromatosis, type 1. Last evaluated: 2026-01-27. Review status: criteria provided, single submitter. Criteria: Invitae Variant Classification Sherloc (09022015). Collection method: clinical testing. Allele origin: germline.

CeGaT Center for Human Genetics Tuebingen
Classification: Likely benign. Last evaluated: 2023-08-01. Review status: criteria provided, single submitter. Criteria: CeGaT Center For Human Genetics Tuebingen Variant Classification Criteria Version 2. Collection method: clinical testing. Allele origin: germline. Affected: yes. Observed: 1 variant allele.
Comment: NF1: BP4, BP7

KCCC/NGS Laboratory, Kuwait Cancer Control Center
Classification: Likely benign for Neurofibromatosis, familial spinal. Last evaluated: 2023-07-07. Review status: criteria provided, single submitter. Criteria: ACMG Guidelines, 2015. Collection method: clinical testing. Allele origin: germline. Affected: yes.

Blueprint Genetics
Classification: Likely benign. Last evaluated: 2022-11-01. Review status: criteria provided, single submitter. Criteria: ACMG Guidelines, 2015. Collection method: clinical testing. Allele origin: germline.

Genome-Nilou Lab
Classification: Likely benign for Neurofibromatosis, type 1. Last evaluated: 2022-03-15. Review status: criteria provided, single submitter. Criteria: ACMG Guidelines, 2015. Collection method: clinical testing. Allele origin: germline. Affected: no.

Fulgent Genetics
Classification: Likely benign for Neurofibromatosis, type 1; Neurofibromatosis, familial spinal; Café-au-lait macules with pulmonary stenosis; Neurofibromatosis-Noonan syndrome; Juvenile myelomonocytic leukemia. Last evaluated: 2022-01-01. Review status: criteria provided, single submitter. Criteria: ACMG Guidelines, 2015. Collection method: clinical testing. Allele origin: unknown.

GeneDx
Classification: Likely benign. Last evaluated: 2020-11-02. Review status: criteria provided, single submitter. Criteria: GeneDx Variant Classification Process June 2021. Collection method: clinical testing. Allele origin: germline. Affected: yes.

Ambry Genetics
Classification: Likely benign for Hereditary cancer-predisposing syndrome. Last evaluated: 2014-11-02. Review status: criteria provided, single submitter. Criteria: Ambry Autosomal Dominant and X-Linked criteria (10/2015). Collection method: clinical testing. Allele origin: germline. Observed: 1 variant allele.